The following is an entry in ClinVar:

NM_015602.4(TOR1AIP1):c.769A>G (p.Ile257Val)

Gene: TOR1AIP1 (torsin 1A interacting protein 1; plus strand). Cytogenetic location: 1q25.2.
Variant type: single nucleotide variant.
Coding change: c.769A>G on transcript NM_015602.4 (MANE Select); coding-DNA position 769, A replaced by G.
Protein change: p.Ile257Val; replaces isoleucine 257 with valine.
Molecular consequence: missense variant.
Genome position (GRCh38, 1-based): chr1:179,903,995, A>G. VCF-style: chr1-179903995-A-G. GRCh37 (hg19) VCF-style: chr1-179873130-A-G.
Other names: c.772A>G, p.Ile258Val (NM_001267578.2); short protein forms I258V, I257V.
Identifiers: ClinVar variation 1418409 (VCV001418409.6), dbSNP rs775100134, ClinGen allele CA1268943.

ClinVar aggregate classification (germline): Uncertain significance (1 of 4 stars; one submission).

Conditions:
Autosomal recessive limb-girdle muscular dystrophy type 2Y (MRRSDC). Also called: Muscular dystrophy, limb-girdle, type 2y; Muscular dystrophy, autosomal recessive, with rigid spine and distal joint contractures. Identifiers: Orphanet 424261, MedGen C4511482, MONDO:0014900, OMIM 617072.

Allele frequency attached by ClinVar (database versions not stated): gnomAD exomes below 0.00001; TOPMed below 0.00001; ExAC 0.00001.

Submission:

Labcorp Genetics (formerly Invitae), Labcorp
Classification: Uncertain significance for Autosomal recessive limb-girdle muscular dystrophy type 2Y. Last evaluated: 2021-08-04. Review status: criteria provided, single submitter. Criteria: Invitae Variant Classification Sherloc (09022015). Collection method: clinical testing. Allele origin: germline.
Comment: In summary, the available evidence is currently insufficient to determine the role of this variant in disease. Therefore, it has been classified as a Variant of Uncertain Significance. Algorithms developed to predict the effect of missense changes on protein structure and function (SIFT, PolyPhen-2, Align-GVGD) all suggest that this variant is likely to be tolerated. This variant has not been reported in the literature in individuals affected with TOR1AIP1-related conditions. This variant is present in population databases (rs775100134, ExAC 0.002%). This sequence change replaces isoleucine with valine at codon 258 of the TOR1AIP1 protein (p.Ile258Val). The isoleucine residue is weakly conserved and there is a small physicochemical difference between isoleucine and valine.